The following is an entry in ClinVar:

NM_014055.4(IFT81):c.1739G>A (p.Arg580His)

Gene: IFT81 (intraflagellar transport 81; plus strand). Cytogenetic location: 12q24.11.
Variant type: single nucleotide variant.
Coding change: c.1739G>A on transcript NM_014055.4 (MANE Select); coding-DNA position 1739, G replaced by A.
Protein change: p.Arg580His; replaces arginine 580 with histidine.
Molecular consequence: missense variant. On other transcripts: non-coding transcript variant (4).
Genome position (GRCh38, 1-based): chr12:110,205,617, G>A. VCF-style: chr12-110205617-G-A. GRCh37 (hg19) VCF-style: chr12-110643422-G-A.
Other names: c.1739G>A, p.Arg580His (NM_001143779.2); c.809G>A, p.Arg270His (NM_001347947.2, NM_001347948.2); short protein forms R270H, R580H.
Identifiers: ClinVar variation 1027001 (VCV001027001.7), dbSNP rs757736289, ClinGen allele CA6783476.
Genomic context (GRCh38, chr12:110,205,617, plus strand): 5'-ATCAAAGTCTTCCCTAAAACTGAAGTCTTTCTATTTAGAACCTAGAAGTTCAACTTCGTC[G>A]TGCTACTGATGAGATGAAGGCATATATCTCTTCTGATCAACAAGAAAAAAGAAAGGCAAT-3'
Protein context (NP_054774.2, residues 570-590): MIKNLEVQLR[Arg580His]ATDEMKAYIS

ClinVar aggregate classification (germline): Uncertain significance. Review status: criteria provided, single submitter (1 of 4 stars). 2 submissions from 2 submitters: Uncertain significance (1). 1 of the submissions does not count toward it. Last evaluated 2022-07-12.

Conditions:
Retinal dystrophy. Also called: Inherited retinal dystrophy. Identifiers: Orphanet 71862, MedGen C0854723, MeSH D058499, MONDO:0019118, HP:0000556.

Allele frequency attached by ClinVar (database versions not stated): gnomAD 0.00001; ExAC 0.00002.
gnomAD v4.1: 27 of 1,602,950 alleles (0.0017%); highest among the groups gnomAD compares: Middle Eastern, 0.033%; no homozygotes.

Submissions (2):

Labcorp Genetics (formerly Invitae), Labcorp
Classification: Uncertain significance. Last evaluated: 2022-07-12. Review status: criteria provided, single submitter. Criteria: Invitae Variant Classification Sherloc (09022015). Collection method: clinical testing. Allele origin: germline.
Comment: This sequence change replaces arginine, which is basic and polar, with histidine, which is basic and polar, at codon 580 of the IFT81 protein (p.Arg580His). This variant is present in population databases (rs757736289, gnomAD 0.005%). This variant has not been reported in the literature in individuals affected with IFT81-related conditions. ClinVar contains an entry for this variant (Variation ID: 1027001). Algorithms developed to predict the effect of missense changes on protein structure and function are either unavailable or do not agree on the potential impact of this missense change (SIFT: "Deleterious"; PolyPhen-2: "Probably Damaging"; Align-GVGD: "Class C0"). In summary, the available evidence is currently insufficient to determine the role of this variant in disease. Therefore, it has been classified as a Variant of Uncertain Significance.

Institute of Human Genetics, Univ. Regensburg, Univ. Regensburg
Classification: Uncertain significance for Retinal dystrophy. Last evaluated: 2023-01-01. Review status: no assertion criteria provided. Criteria: ACMG Guidelines, 2015. Collection method: clinical testing. Allele origin: germline. Affected: yes. Not counted in ClinVar's aggregate classification.